The following is an entry in ClinVar:

NM_001004334.4(GPR179):c.3046G>C (p.Glu1016Gln)

Gene: GPR179 (G protein-coupled receptor 179; minus strand). Cytogenetic location: 17q12.
Variant type: single nucleotide variant.
Coding change: c.3046G>C on transcript NM_001004334.4 (MANE Select); coding-DNA position 3046, G replaced by C.
Protein change: p.Glu1016Gln; replaces glutamic acid 1016 with glutamine.
Molecular consequence: missense variant.
Genome position (GRCh38, 1-based): chr17:38,330,523, C>G on the plus strand (G>C on the coding strand, the complement: GPR179 is on the minus strand). VCF-style: chr17-38330523-C-G. GRCh37 (hg19) VCF-style: chr17-36486406-C-G.
Other names: short protein forms E1016Q.
Identifiers: ClinVar variation 2341248 (VCV002341248.6), dbSNP rs375903406, ClinGen allele CA290105410.
Genomic context (GRCh38, chr17:38,330,523, plus strand): 5'-CAACAGAGAGGGCCCTCCAGAGCCTGGCTCGAGCTGGGGCAGGGGAGTGGTGGCCTCGCT[C>G]TGGCCCTGAGGGGCCTTCCTGGGGCACATTTTCTTGCTTGGCTGGCAGTTCTGCGTTCTC-3'
Protein context (NP_001004334.3, residues 1006-1026): NVPQEGPSGP[Glu1016Gln]RGHHSPAPAR

ClinVar aggregate classification (germline): Uncertain significance. Review status: criteria provided, multiple submitters, no conflicts (2 of 4 stars). 3 submissions from 3 submitters: Uncertain significance (3). Last evaluated 2024-06-27.

Conditions:
Inborn genetic diseases. Identifiers: MedGen C0950123, MeSH D030342.

Allele frequency attached by ClinVar (database versions not stated): ESP Exome Variant Server 0.00008; gnomAD 0.00009.

Submissions (3):

Blueprint Genetics
Classification: Uncertain significance. Last evaluated: 2024-06-27. Review status: criteria provided, single submitter. Criteria: ACMG Guidelines, 2015. Collection method: clinical testing. Allele origin: germline.

Labcorp Genetics (formerly Invitae), Labcorp
Classification: Uncertain significance. Last evaluated: 2023-11-21. Review status: criteria provided, single submitter. Criteria: Invitae Variant Classification Sherloc (09022015). Collection method: clinical testing. Allele origin: germline.
Comment: This sequence change replaces glutamic acid, which is acidic and polar, with glutamine, which is neutral and polar, at codon 1016 of the GPR179 protein (p.Glu1016Gln). This variant is present in population databases (rs375903406, gnomAD 0.03%). This variant has not been reported in the literature in individuals affected with GPR179-related conditions. ClinVar contains an entry for this variant (Variation ID: 2341248). Algorithms developed to predict the effect of missense changes on protein structure and function output the following: SIFT: "Not Available"; PolyPhen-2: "Benign"; Align-GVGD: "Not Available". The glutamine amino acid residue is found in multiple mammalian species, which suggests that this missense change does not adversely affect protein function. In summary, the available evidence is currently insufficient to determine the role of this variant in disease. Therefore, it has been classified as a Variant of Uncertain Significance.

Ambry Genetics
Classification: Uncertain significance for Inborn genetic diseases. Last evaluated: 2021-09-01. Review status: criteria provided, single submitter. Criteria: Ambry Variant Classification Scheme 2023. Collection method: clinical testing. Allele origin: germline.